The following is an entry in ClinVar:

ClinVar aggregate classification (germline): Pathogenic (1 of 4 stars; one submission).

Conditions:
Nephrotic syndrome, type 4 (NPHS4). Also called: Familial mesangial sclerosis; Nephrotic syndrome, early onset with diffuse mesangial sclerosis. Identifiers: Orphanet 656, MedGen C3151568, MONDO:0009733, OMIM 256370.

Submission:

Precision Medicine Center, Zhengzhou University
Classification: Pathogenic for Nephrotic syndrome, type 4. Review status: criteria provided, single submitter. Criteria: ACMG Guidelines, 2015. Collection method: research. Allele origin: germline. Affected: yes.
Comment: PVS1:Null variant in the gene with established LOF as a disease mechanism PM2:not found in gnomAD PP3:Multiple lines of computational evidence support a deleterious effect on the gene or gene product

NM_024426.6(WT1):c.1534C>T (p.Gln512Ter)

Gene: WT1 (WT1 transcription factor; minus strand). Cytogenetic location: 11p13.
Variant type: single nucleotide variant.
Coding change: c.1534C>T on transcript NM_024426.6 (MANE Select); coding-DNA position 1534, C replaced by T.
Protein change: p.Gln512Ter; replaces glutamine 512 with a stop codon.
Molecular consequence: nonsense. On other transcripts: non-coding transcript variant (1).
Genome position (GRCh38, 1-based): chr11:32,389,093, G>A on the plus strand (C>T on the coding strand, the complement: WT1 is on the minus strand). VCF-style: chr11-32389093-G-A. GRCh37 (hg19) VCF-style: chr11-32410639-G-A.
Other names: c.1474C>T, p.Gln492Ter (NM_000378.6); c.874C>T, p.Gln292Ter (NM_001198551.2); c.832C>T, p.Gln278Ter (NM_001198552.2); c.346C>T, p.Gln116Ter (NM_001367854.1); c.1519C>T, p.Gln507Ter (NM_001407044.1); c.1483C>T, p.Gln495Ter (NM_001407045.1); c.1441C>T, p.Gln481Ter (NM_001407046.1); c.1402C>T, p.Gln468Ter (NM_001407047.1); and 6 more; short protein forms Q116*, Q278*, Q292*, Q492*, Q509*, Q512*, Q464*, Q454*.
Identifiers: ClinVar variation 1077036 (VCV001077036.2), dbSNP rs2132897818, ClinGen allele CA379957516.